The following is an entry in ClinVar:

NM_012079.6(DGAT1):c.17G>A (p.Ser6Asn)

Genes: DGAT1 (diacylglycerol O-acyltransferase 1; minus strand), LOC130001386 (ATAC-STARR-seq lymphoblastoid silent region 19673; plus strand). Cytogenetic location: 8q24.3.
Variant type: single nucleotide variant.
Coding change: c.17G>A on transcript NM_012079.6 (MANE Select); coding-DNA position 17, G replaced by A.
Protein change: p.Ser6Asn; replaces serine 6 with asparagine.
Molecular consequence: missense variant.
Genome position (GRCh38, 1-based): chr8:144,326,620, C>T on the plus strand (G>A on the coding strand, the complement: DGAT1 is on the minus strand). VCF-style: chr8-144326620-C-T. GRCh37 (hg19) VCF-style: chr8-145550283-C-T.
Other names: short protein forms S6N.
Identifiers: ClinVar variation 1913442 (VCV001913442.2), dbSNP rs1000216326, ClinGen allele CA187671704.
Genomic context (GRCh38, chr8:144,326,620, plus strand): 5'-GCCGCAGGCCCGCCGCCGCCGTGGCTCGAGGGCCGCGACCCTGTCCTCCGGCGCCGGGAG[C>T]TGCCGCGGTCGCCCATGGCCTCAGCCCGCACCCGGCCGCAGCCAAGCGTGGGCCCGCCGG-3'
Protein context (NP_036211.2, residues 1-16): MGDRG[Ser6Asn]SRRRRTGSRP

ClinVar aggregate classification (germline): Uncertain significance (1 of 4 stars; one submission).

Submission:

Labcorp Genetics (formerly Invitae), Labcorp
Classification: Uncertain significance. Last evaluated: 2022-10-09. Review status: criteria provided, single submitter. Criteria: Invitae Variant Classification Sherloc (09022015). Collection method: clinical testing. Allele origin: germline.
Comment: This sequence change replaces serine, which is neutral and polar, with asparagine, which is neutral and polar, at codon 6 of the DGAT1 protein (p.Ser6Asn). This variant is not present in population databases (gnomAD no frequency). This variant has not been reported in the literature in individuals affected with DGAT1-related conditions. Algorithms developed to predict the effect of missense changes on protein structure and function are either unavailable or do not agree on the potential impact of this missense change (SIFT: "Tolerated"; PolyPhen-2: "Not Available"; Align-GVGD: "Class C0"). In summary, the available evidence is currently insufficient to determine the role of this variant in disease. Therefore, it has been classified as a Variant of Uncertain Significance.